The following is an entry in ClinVar:

NM_005591.4(MRE11):c.2120_*2del (p.Arg707fs)

Gene: MRE11 (MRE11 double strand break repair nuclease; minus strand). Cytogenetic location: 11q21.
Variant type: Deletion.
Coding change: c.2120_*2del on transcript NM_005591.4 (MANE Select); coding-DNA position 2120 through 2 bases downstream of the stop codon, 10 bases deleted (GAAGATAATA; older notation c.2120_*2delGAAGATAATA).
Protein change: p.Arg707fs; shifts the reading frame from arginine 707.
Molecular consequence: frameshift variant.
Genome position (GRCh38, 1-based): chr11:94,420,123-94,420,132, TATTATCTTC deleted on the plus strand (GAAGATAATA on the coding strand, the reverse complement: MRE11 is on the minus strand); deleting any 10 consecutive bases within chr11:94,420,123-94,420,136 gives the same sequence; the c. name uses the placement nearest the transcript's 3' end. VCF-style (leftmost placement, unchanged base first): chr11-94420122-ATATTATCTTC-A. GRCh37 (hg19) VCF-style: chr11-94153288-ATATTATCTTC-A.
Other names: c.2117_*2del, p.Arg706fs (NM_001330347.2); c.2036_*2del, p.Arg679fs (NM_005590.4); c.2120_*2del10 (NM_005591.3); short protein forms R707fs, R679fs, R706fs.
Identifiers: ClinVar variation 2586206 (VCV002586206.2), dbSNP rs2496088371, ClinGen allele CA2582342446.

ClinVar aggregate classification (germline): Uncertain significance (1 of 4 stars; one submission).

Conditions:
Hereditary cancer-predisposing syndrome. Also called: Hereditary neoplastic syndrome; Tumor predisposition; Hereditary Cancer Syndrome; Neoplastic Syndromes, Hereditary. Identifiers: Orphanet 140162, MedGen C0027672, MeSH D009386, MONDO:0015356.

Submission:

Ambry Genetics
Classification: Uncertain significance for Hereditary cancer-predisposing syndrome. Last evaluated: 2023-07-28. Review status: criteria provided, single submitter. Criteria: Ambry Variant Classification Scheme 2023. Collection method: clinical testing. Allele origin: germline.
Comment: The c.2120_*2del10 variant, located in coding exon 19 of the MRE11A gene, results from a deletion of 4 nucleotides at nucleotide positions 2120 to *2, causing a translational frameshift with a predicted alternate stop codon (p.R707Ifs*20). This alteration occurs at the 3' terminus of theMRE11 gene, is not expected to trigger nonsense-mediated mRNAdecay and results in the elongation of the protein by 17 amino acids. This frameshift impacts the last 3amino acids of the native protein. The exact functional effect of the altered amino acids is unknown. Since supporting evidence is limited at this time, the clinical significance of this alteration remains unclear.